The following is an entry in ClinVar:

ClinVar aggregate classification (germline): Uncertain significance. Review status: criteria provided, multiple submitters, no conflicts (2 of 4 stars). 4 submissions from 4 submitters: Uncertain significance (4). Last evaluated 2023-10-03.

Conditions:
Cardiovascular phenotype. Identifiers: MedGen CN230736.
Hereditary cancer-predisposing syndrome. Also called: Neoplastic Syndromes, Hereditary; Tumor predisposition; Hereditary Cancer Syndrome; Hereditary neoplastic syndrome. Identifiers: Orphanet 140162, MedGen C0027672, MeSH D009386, MONDO:0015356.
Neurofibromatosis, type 1 (NF1). Also called: VON RECKLINGHAUSEN DISEASE; Peripheral type neurofibromatosis; NEUROFIBROMATOSIS, TYPE I, SOMATIC; Neurofibromatosis, type I. Identifiers: Orphanet 636, MedGen C0027831, MONDO:0018975, OMIM 162200. Disease mechanism: loss of function.

Submissions (4):

Labcorp Genetics (formerly Invitae), Labcorp
Classification: Uncertain significance for Neurofibromatosis, type 1. Last evaluated: 2023-10-03. Review status: criteria provided, single submitter. Criteria: Invitae Variant Classification Sherloc (09022015). Collection method: clinical testing. Allele origin: germline.
Comment: This sequence change replaces glutamine, which is neutral and polar, with histidine, which is basic and polar, at codon 1870 of the NF1 protein (p.Gln1870His). This variant is not present in population databases (gnomAD no frequency). This variant has not been reported in the literature in individuals affected with NF1-related conditions. ClinVar contains an entry for this variant (Variation ID: 825851). Advanced modeling of protein sequence and biophysical properties (such as structural, functional, and spatial information, amino acid conservation, physicochemical variation, residue mobility, and thermodynamic stability) performed at Invitae indicates that this missense variant is expected to disrupt NF1 protein function. In summary, the available evidence is currently insufficient to determine the role of this variant in disease. Therefore, it has been classified as a Variant of Uncertain Significance.

Blueprint Genetics
Classification: Uncertain significance. Last evaluated: 2023-10-02. Review status: criteria provided, single submitter. Criteria: ACMG Guidelines, 2015. Collection method: clinical testing. Allele origin: germline.

Genome-Nilou Lab
Classification: Uncertain significance for Neurofibromatosis, type 1. Last evaluated: 2022-03-15. Review status: criteria provided, single submitter. Criteria: ACMG Guidelines, 2015. Collection method: clinical testing. Allele origin: germline. Affected: no.

Ambry Genetics
Classification: Uncertain significance for Cardiovascular phenotype; Hereditary cancer-predisposing syndrome. Last evaluated: 2019-09-12. Review status: criteria provided, single submitter. Criteria: Ambry Variant Classification Scheme 2023. Collection method: clinical testing. Allele origin: germline.
Comment: The p.Q1870H variant (also known as c.5610G>T), located in coding exon 38 of the NF1 gene, results from a G to T substitution at nucleotide position 5610. The glutamine at codon 1870 is replaced by histidine, an amino acid with highly similar properties. This amino acid position is highly conserved in available vertebrate species. In addition, this alteration is predicted to be deleterious by in silico analysis. Since supporting evidence is limited at this time, the clinical significance of this alteration remains unclear.

NM_001042492.3(NF1):c.5673G>T (p.Gln1891His)

Gene: NF1 (neurofibromin 1; plus strand). Cytogenetic location: 17q11.2.
Variant type: single nucleotide variant.
Coding change: c.5673G>T on transcript NM_001042492.3 (MANE Select); coding-DNA position 5673, G replaced by T.
Protein change: p.Gln1891His; replaces glutamine 1891 with histidine.
Molecular consequence: missense variant.
Genome position (GRCh38, 1-based): chr17:31,330,359, G>T. VCF-style: chr17-31330359-G-T. GRCh37 (hg19) VCF-style: chr17-29657377-G-T.
Other names: c.5610G>T, p.Gln1870His (NM_000267.4); short protein forms Q1891H, Q1870H.
Identifiers: ClinVar variation 825851 (VCV000825851.13), dbSNP rs1555533857, ClinGen allele CA399010227.